The following is an entry in ClinVar:

ClinVar aggregate classification (germline): Uncertain significance (1 of 4 stars; one submission).

Submission:

Ambry Genetics
Classification: Uncertain significance. Last evaluated: 2024-05-25. Review status: criteria provided, single submitter. Criteria: Ambry Variant Classification Scheme 2023. Collection method: clinical testing. Allele origin: germline.
Comment: The p.G106R variant (also known as c.316G>C), located in coding exon 3 of the RECQL gene, results from a G to C substitution at nucleotide position 316. The glycine at codon 106 is replaced by arginine, an amino acid with dissimilar properties. This amino acid position is well conserved in available vertebrate species. In addition, the in silico prediction for this alteration is inconclusive. Since supporting evidence is limited at this time, the clinical significance of this alteration remains unclear.

NM_002907.4(RECQL):c.316G>C (p.Gly106Arg)

Gene: RECQL (RecQ like helicase; minus strand). Cytogenetic location: 12p12.1.
Variant type: single nucleotide variant.
Coding change: c.316G>C on transcript NM_002907.4 (MANE Select); coding-DNA position 316, G replaced by C.
Protein change: p.Gly106Arg; replaces glycine 106 with arginine.
Molecular consequence: missense variant.
Genome position (GRCh38, 1-based): chr12:21,490,277, C>G on the plus strand (G>C on the coding strand, the complement: RECQL is on the minus strand). VCF-style: chr12-21490277-C-G. GRCh37 (hg19) VCF-style: chr12-21643211-C-G.
Other names: c.316G>C, p.Gly106Arg (NM_032941.3); short protein forms G106R.
Identifiers: ClinVar variation 1728418 (VCV001728418.3), dbSNP rs2136749299, ClinGen allele CA384132774.
Genomic context (GRCh38, chr12:21,490,277, plus strand): 5'-GTAACTGGTAACATAAGCTCTTTCCACCTCCTGTAGGCATAACAAGAAATACCTCCTTTC[C>G]AGCCATTGTTACGTTAATAGTTTCAAGCTGAAGTGGTCTGAACTTTTCCAGTTTAAAGAC-3'
Protein context (NP_002898.2, residues 96-116): QLETINVTMA[Gly106Arg]KEVFLVMPTG